The following is an entry in ClinVar:

NM_016247.4(IMPG2):c.1473G>A (p.Pro491=)

Gene: IMPG2 (interphotoreceptor matrix proteoglycan 2; minus strand). Cytogenetic location: 3q12.3.
Variant type: single nucleotide variant.
Coding change: c.1473G>A on transcript NM_016247.4 (MANE Select); coding-DNA position 1473, G replaced by A.
Protein change: p.Pro491=; no amino-acid change (proline 491 retained).
Molecular consequence: synonymous variant.
Genome position (GRCh38, 1-based): chr3:101,245,872, C>T on the plus strand (G>A on the coding strand, the complement: IMPG2 is on the minus strand). VCF-style: chr3-101245872-C-T. GRCh37 (hg19) VCF-style: chr3-100964716-C-T.
Identifiers: ClinVar variation 1909352 (VCV001909352.4), dbSNP rs371373101, ClinGen allele CA2519159.
Genomic context (GRCh38, chr3:101,245,872, plus strand): 5'-CAAGTGAGATCCAGAAGTCCTTTCCTCAGAAGCCACAGGCAAGCCAGTCTGAAGCACTGC[C>T]GGGGTGACAGAATGAAGAGTCAAGCTGCTAACCTCTAAAACCTCTGGGGAAGAGCTGAGG-3'
Protein context (NP_057331.2, residues 481-501): VSSLTLHSVT[Pro491=]AVLQTGLPVA

ClinVar aggregate classification (germline): Uncertain significance. Review status: criteria provided, multiple submitters, no conflicts (2 of 4 stars). 2 submissions from 2 submitters: Uncertain significance (2). Last evaluated 2024-03-05.

Allele frequency attached by ClinVar (database versions not stated): gnomAD exomes 0.00002; ExAC 0.00003; ESP Exome Variant Server 0.00008.
gnomAD v4.1: 36 of 1,614,024 alleles (0.0022%); highest among the groups gnomAD compares: Middle Eastern, 0.016%; no homozygotes.

Submissions (2):

Blueprint Genetics
Classification: Uncertain significance. Last evaluated: 2024-03-05. Review status: criteria provided, single submitter. Criteria: ACMG Guidelines, 2015. Collection method: clinical testing. Allele origin: germline.

Labcorp Genetics (formerly Invitae), Labcorp
Classification: Uncertain significance. Last evaluated: 2022-04-06. Review status: criteria provided, single submitter. Criteria: Invitae Variant Classification Sherloc (09022015). Collection method: clinical testing. Allele origin: germline.
Comment: This sequence change affects codon 491 of the IMPG2 mRNA. It is a 'silent' change, meaning that it does not change the encoded amino acid sequence of the IMPG2 protein. This variant is present in population databases (rs371373101, gnomAD 0.006%). This variant has not been reported in the literature in individuals affected with IMPG2-related conditions. Algorithms developed to predict the effect of sequence changes on RNA splicing suggest that this variant may disrupt the consensus splice site. In summary, the available evidence is currently insufficient to determine the role of this variant in disease. Therefore, it has been classified as a Variant of Uncertain Significance.